The following is an entry in ClinVar:

NM_000282.4(PCCA):c.637+1G>T

Gene: PCCA (propionyl-CoA carboxylase subunit alpha; plus strand). Cytogenetic location: 13q32.3.
Variant type: single nucleotide variant.
Coding change: c.637+1G>T on transcript NM_000282.4 (MANE Select); the canonical splice donor site of the intron after coding-DNA position 637, G replaced by T.
Molecular consequence: splice donor variant.
Genome position (GRCh38, 1-based): chr13:100,235,879, G>T. VCF-style: chr13-100235879-G-T. GRCh37 (hg19) VCF-style: chr13-100888133-G-T.
Other names: c.559+1G>T (NM_001127692.3, NM_001352607.2, NM_001352608.2); c.637+1G>T (NM_001352609.2, NM_001178004.2, NM_001352605.2 and 1 more transcripts); c.-230+1G>T (NM_001352610.2, NM_001352611.2, NM_001352612.2).
Identifiers: ClinVar variation 4818104 (VCV004818104.1).

ClinVar aggregate classification (germline): Likely pathogenic (1 of 4 stars; one submission).

Conditions:
Propionic acidemia (PROP). Also called: GLYCINEMIA, KETOTIC; HYPERGLYCINEMIA WITH KETOACIDOSIS AND LEUKOPENIA; KETOTIC HYPERGLYCINEMIA. Identifiers: Orphanet 35, MedGen C0268579, MONDO:0011628, OMIM 606054, HP:0003571.

gnomAD v4.1: 2 of 1,596,128 alleles (0.00013%); highest among the groups gnomAD compares: Non-Finnish European, 0.00017%; no homozygotes.

Submission:

Natera, Inc.
Classification: Likely pathogenic for Propionic acidemia. Last evaluated: 2025-09-01. Review status: criteria provided, single submitter. Criteria: Natera Variant Classification Schema (03/2026). Collection method: clinical testing. Allele origin: germline.
Comment: The c.637+1G>T variant in PCCA is a canonical splice donor site variant predicted to affect pre-mRNA splicing, which may result in an abnormal transcript and altered protein product. This variant is expected to result in nonsense mediated decay, truncation, or a dysfunctional protein product. This variant is rare in the general population with a frequency below the threshold expected for the associated phenotype(s). Given the available evidence, this variant is classified as Likely Pathogenic.